The following is an entry in ClinVar:

NM_000070.3(CAPN3):c.538G>A (p.Asp180Asn)

Gene: CAPN3 (calpain 3; plus strand). Cytogenetic location: 15q15.1.
Variant type: single nucleotide variant.
Coding change: c.538G>A on transcript NM_000070.3 (MANE Select); coding-DNA position 538, G replaced by A.
Protein change: p.Asp180Asn; replaces aspartic acid 180 with asparagine.
Molecular consequence: missense variant.
Genome position (GRCh38, 1-based): chr15:42,387,792, G>A. VCF-style: chr15-42387792-G-A. GRCh37 (hg19) VCF-style: chr15-42679990-G-A.
Other names: c.538G>A, p.Asp180Asn (NM_024344.2, NM_173087.2); short protein forms D180N.
Identifiers: ClinVar variation 1009814 (VCV001009814.5), dbSNP rs767477904, ClinGen allele CA7511052.
Genomic context (GRCh38, chr15:42,387,792, plus strand): 5'-GTGCGTGACGCTTCTGTGCAGTTCTGGCGCTATGGAGAGTGGGTGGACGTGGTTATAGAT[G>A]ACTGCCTGCCAACGTACAACAATCAACTGGTTTTCACCAAGTCCAACCACCGCAATGAGT-3'
Protein context (NP_000061.1, residues 170-190): YGEWVDVVID[Asp180Asn]CLPTYNNQLV

ClinVar aggregate classification (germline): Likely pathogenic (1 of 4 stars; one submission).

Conditions:
Autosomal recessive limb-girdle muscular dystrophy type 2A (LGMDR1). Also called: Limb-girdle muscular dystrophy, type 2A; Calpainopathy; LEYDEN-MOEBIUS MUSCULAR DYSTROPHY; MUSCULAR DYSTROPHY, PELVOFEMORAL; Muscular dystrophy, limb-girdle, type 2A, Amish. Identifiers: Orphanet 267, MedGen C1869123, MONDO:0009675, OMIM 253600. Disease mechanism: loss of function.

Allele frequency attached by ClinVar (database versions not stated): gnomAD exomes below 0.00001 and 0.00001; TOPMed 0.00001; ExAC 0.00002.
gnomAD v4.1: 1 of 1,614,220 alleles (0.000062%); highest among the groups gnomAD compares: Admixed American, 0.0017%; no homozygotes.

Submission:

Labcorp Genetics (formerly Invitae), Labcorp
Classification: Likely pathogenic for Autosomal recessive limb-girdle muscular dystrophy type 2A. Last evaluated: 2025-10-02. Review status: criteria provided, single submitter. Criteria: Invitae Variant Classification Sherloc (09022015). Collection method: clinical testing. Allele origin: germline.
Comment: This sequence change replaces aspartic acid, which is acidic and polar, with asparagine, which is neutral and polar, at codon 180 of the CAPN3 protein (p.Asp180Asn). This variant is present in population databases (rs767477904, gnomAD 0.003%). This missense change has been observed in individual(s) with clinical features of autosomal recessive limb-girdle muscular dystrophy (internal data). ClinVar contains an entry for this variant (Variation ID: 1009814). Invitae Evidence Modeling of protein sequence and biophysical properties (such as structural, functional, and spatial information, amino acid conservation, physicochemical variation, residue mobility, and thermodynamic stability) indicates that this missense variant is expected to disrupt CAPN3 protein function with a positive predictive value of 80%. In summary, the currently available evidence indicates that the variant is pathogenic, but additional data are needed to prove that conclusively. Therefore, this variant has been classified as Likely Pathogenic.